The following is an entry in ClinVar:

ClinVar aggregate classification (germline): Uncertain significance. Review status: criteria provided, multiple submitters, no conflicts (2 of 4 stars). 2 submissions from 2 submitters: Uncertain significance (2). Last evaluated 2026-07-06.

Conditions:
Hereditary cancer-predisposing syndrome. Also called: Neoplastic Syndromes, Hereditary; Hereditary Cancer Syndrome; Hereditary neoplastic syndrome; Tumor predisposition. Identifiers: Orphanet 140162, MedGen C0027672, MeSH D009386, MONDO:0015356.
Tuberous sclerosis 2 (TSC2). Identifiers: Orphanet 805, MedGen C1860707, MONDO:0013199, OMIM 613254.

Submissions (2):

Ambry Genetics
Classification: Uncertain significance for Hereditary cancer-predisposing syndrome. Last evaluated: 2026-07-06. Review status: criteria provided, single submitter. Criteria: Ambry Variant Classification Scheme 2023. Collection method: clinical testing. Allele origin: germline.
Comment: The p.D416A variant (also known as c.1247A>C), located in coding exon 11 of the TSC2 gene, results from an A to C substitution at nucleotide position 1247. The aspartic acid at codon 416 is replaced by alanine, an amino acid with dissimilar properties. This amino acid position is conserved. In addition, the in silico prediction for this alteration is inconclusive. Based on the available evidence, the clinical significance of this variant remains unclear.

Labcorp Genetics (formerly Invitae), Labcorp
Classification: Uncertain significance for Tuberous sclerosis 2. Last evaluated: 2018-08-23. Review status: criteria provided, single submitter. Criteria: Invitae Variant Classification Sherloc (09022015). Collection method: clinical testing. Allele origin: germline.
Comment: This sequence change replaces aspartic acid with alanine at codon 416 of the TSC2 protein (p.Asp416Ala). The aspartic acid residue is highly conserved and there is a moderate physicochemical difference between aspartic acid and alanine. This variant is not present in population databases (ExAC no frequency). This variant has not been reported in the literature in individuals with TSC2-related disease. Algorithms developed to predict the effect of missense changes on protein structure and function are either unavailable or do not agree on the potential impact of this missense change (SIFT: "Deleterious"; PolyPhen-2: "Benign"; Align-GVGD: "Class C0"). In summary, the available evidence is currently insufficient to determine the role of this variant in disease. Therefore, it has been classified as a Variant of Uncertain Significance.

NM_000548.5(TSC2):c.1247A>C (p.Asp416Ala)

Gene: TSC2 (TSC complex subunit 2; plus strand). Cytogenetic location: 16p13.3.
Variant type: single nucleotide variant.
Coding change: c.1247A>C on transcript NM_000548.5 (MANE Select); coding-DNA position 1247, A replaced by C.
Protein change: p.Asp416Ala; replaces aspartic acid 416 with alanine.
Molecular consequence: missense variant.
Genome position (GRCh38, 1-based): chr16:2,061,998, A>C. VCF-style: chr16-2061998-A-C. GRCh37 (hg19) VCF-style: chr16-2111999-A-C.
Other names: c.1247A>C, p.Asp416Ala (NM_001077183.3, NM_001114382.3, NM_001363528.2 and 3 more transcripts); c.1136A>C, p.Asp379Ala (NM_001318827.2); c.1100A>C, p.Asp367Ala (NM_001318829.2); c.647A>C, p.Asp216Ala (NM_001318831.2); c.1280A>C, p.Asp427Ala (NM_001318832.2); short protein forms D427A, D216A, D367A, D416A, D379A.
Identifiers: ClinVar variation 648357 (VCV000648357.9), dbSNP rs117111015, ClinGen allele CA394321456.